The following is an entry in ClinVar:

NM_001290060.2(SEMA3B):c.1839C>T (p.His613=)

Gene: SEMA3B (semaphorin 3B; plus strand). Cytogenetic location: 3p21.31.
Variant type: single nucleotide variant.
Coding change: c.1839C>T on transcript NM_001290060.2 (MANE Select); coding-DNA position 1839, C replaced by T.
Protein change: p.His613=; no amino-acid change (histidine 613 retained).
Molecular consequence: synonymous variant. On other transcripts: non-coding transcript variant (1).
Genome position (GRCh38, 1-based): chr3:50,275,838, C>T. VCF-style: chr3-50275838-C-T. GRCh37 (hg19) VCF-style: chr3-50313269-C-T.
Other names: c.1836C>T, p.His612= (NM_001005914.3); c.1854C>T, p.His618= (NM_001290061.1); c.810C>T, p.His270= (NM_001290062.2, NM_001290063.2); c.1839C>T, p.His613= (NM_004636.4).
Identifiers: ClinVar variation 3356739 (VCV003356739.1).

ClinVar aggregate classification (germline): Uncertain significance (0 of 4 stars; one submission).

Conditions:
SEMA3B-related disorder. Also called: SEMA3B-related condition.

gnomAD v4.1: 27 of 1,600,236 alleles (0.0017%); highest among the groups gnomAD compares: African/African-American, 0.004%; no homozygotes.

Submission:

PreventionGenetics, part of Exact Sciences
Classification: Uncertain significance for SEMA3B-related condition. Last evaluated: 2024-02-09. Review status: no assertion criteria provided. Collection method: clinical testing. Allele origin: germline.
Comment: The SEMA3B c.1854C>T is a noncoding alteration. To our knowledge, this variant has not been reported in the literature. This variant is reported in 0.0017% of alleles in individuals of European (Non-Finnish) descent in gnomAD. At this time, the clinical significance of this variant is uncertain due to the absence of conclusive functional and genetic evidence.